The following is an entry in ClinVar:

ClinVar aggregate classification (germline): Pathogenic (1 of 4 stars; one submission).

Conditions:
Glomuvenous malformation. Also called: GLOMANGIOMAS, MULTIPLE; GLOMUS TUMORS, MULTIPLE; VENOUS MALFORMATIONS WITH GLOMUS CELLS; Familial glomangioma. Identifiers: Orphanet 83454, MedGen C1841984, MONDO:0007672, OMIM 138000.

Submission:

Clinical Genomics Laboratory, Washington University in St. Louis
Classification: Pathogenic for Glomuvenous malformation. Last evaluated: 2025-05-26. Review status: criteria provided, single submitter. Criteria: Leon-Quintero et al. (Clin Genet. 2025). Collection method: clinical testing. Allele origin: somatic. Affected: yes.
Comment: A GLMN c.1471C>T (p.Gln491*) variant was identified at an allelic fraction consistent with somatic origin. This variant, to our knowledge, has not been reported in the medical literature. This variant is absent in the general population (gnomAD v4.1.0), indicating it is not a common variant. This variant causes a frameshift by substitution of a single nucleotide, leading to a premature termination codon, which is predicted to lead to nonsense mediated decay. Other loss-of-function variants have been reported in this region in individuals with glomuvenous malformation and Blue rubber bleb nevus syndrome (Amyere M et al., PMID: 23375657; Brouillard P et al., PMID: 23801931; Brouillard P et al., PMID: 11845407; Yin J et al., PMID: 31793416). Based on an internally developed protocol informed by the ACMG/AMP guidelines (Leon-Quintero FZ, et al., PMID: 39434542) and gene-specific practices from the ClinGen Criteria Specification Registry (Leon-Quintero FZ et al., PMID: 39434542), the GLMN c.1471C>T (p.Gln491*) variant is classified as pathogenic.

NM_053274.3(GLMN):c.1471C>T (p.Gln491Ter)

Gene: GLMN (glomulin, FKBP associated protein; minus strand). Cytogenetic location: 1p22.1.
Variant type: single nucleotide variant.
Coding change: c.1471C>T on transcript NM_053274.3 (MANE Select); coding-DNA position 1471, C replaced by T.
Protein change: p.Gln491Ter; replaces glutamine 491 with a stop codon.
Molecular consequence: nonsense. On other transcripts: non-coding transcript variant (1).
Genome position (GRCh38, 1-based): chr1:92,262,865, G>A on the plus strand (C>T on the coding strand, the complement: GLMN is on the minus strand). VCF-style: chr1-92262865-G-A. GRCh37 (hg19) VCF-style: chr1-92728422-G-A.
Other names: c.1429C>T, p.Gln477Ter (NM_001319683.2); short protein forms Q477*, Q491*.
Identifiers: ClinVar variation 4279979 (VCV004279979.1).
Genomic context (GRCh38, chr1:92,262,865, plus strand): 5'-AAACATTCCTTATGCCTTTTGAATATACTCACAGTTTCTTTTCAAATACTTCACTTACTT[G>A]ATTGTCATTTTCATTATCTTTGATAACCAAATACCTCAATAAATTTAATGAAGCCATAAT-3'